The following is an entry in ClinVar:

NM_178140.4(PDZD2):c.3317C>T (p.Ser1106Phe)

Gene: PDZD2 (PDZ domain containing 2; plus strand). Cytogenetic location: 5p13.3.
Variant type: single nucleotide variant.
Coding change: c.3317C>T on transcript NM_178140.4 (MANE Select); coding-DNA position 3317, C replaced by T.
Protein change: p.Ser1106Phe; replaces serine 1106 with phenylalanine.
Molecular consequence: missense variant.
Genome position (GRCh38, 1-based): chr5:32,074,423, C>T. VCF-style: chr5-32074423-C-T. GRCh37 (hg19) VCF-style: chr5-32074529-C-T.
Other names: short protein forms S1106F.
Identifiers: ClinVar variation 3038121 (VCV003038121.2), dbSNP rs34748216, ClinGen allele CA3219436.

ClinVar aggregate classification (germline): Benign (0 of 4 stars; one submission).

Conditions:
PDZD2-related disorder. Also called: PDZD2-related condition.

Allele frequency attached by ClinVar (database versions not stated): 1000 Genomes Project 0.00679; 1000 Genomes Project 30x 0.00703; ESP Exome Variant Server 0.00738; TOPMed 0.00768; gnomAD exomes 0.00842; gnomAD 0.00890.
gnomAD v4.1: 13,796 of 1,613,940 alleles (0.85%); highest among the groups gnomAD compares: Middle Eastern, 4.2%; 101 homozygotes.

Submission:

PreventionGenetics, part of Exact Sciences
Classification: Benign for PDZD2-related condition. Last evaluated: 2019-07-10. Review status: no assertion criteria provided. Collection method: clinical testing. Allele origin: germline.
Comment: This variant is classified as benign based on ACMG/AMP sequence variant interpretation guidelines (Richards et al. 2015 PMID: 25741868, with internal and published modifications).